The following is an entry in ClinVar:

ClinVar aggregate classification (germline): Benign/Likely benign. Review status: criteria provided, multiple submitters, no conflicts (2 of 4 stars). 6 submissions from 6 submitters: Benign (2); Likely benign (4). Last evaluated 2026-08-01.

Conditions:
Episodic kinesigenic dyskinesia (EKD). Also called: Paroxysmal kinesigenic dyskinesia. Identifiers: Orphanet 98809, MedGen C1868682, MONDO:0044202.
Inborn genetic diseases. Identifiers: MedGen C0950123, MeSH D030342.
Infantile convulsions and choreoathetosis (ICCA). Also called: PRRT2-Related Paroxysmal Kinesigenic Dyskinesia with Infantile Convulsions (PKD/IC); PAROXYSMAL KINESIGENIC DYSKINESIA WITH INFANTILE CONVULSIONS. Identifiers: Orphanet 31709, MedGen C1865926, MONDO:0011178, OMIM 602066.
Seizures, benign familial infantile, 2 (BFIS2). Also called: CONVULSIONS, BENIGN FAMILIAL INFANTILE, 2. Identifiers: Orphanet 306, MedGen C1853995, MONDO:0011593, OMIM 605751.
Episodic kinesigenic dyskinesia 1 (EKD1). Also called: PxMD-PRRT2; PAROXYSMAL KINESIGENIC CHOREOATHETOSIS; DYSTONIA, FAMILIAL PAROXYSMAL; Dystonia 10; PRRT2-Related Paroxysmal Kinesigenic Dyskinesia (PKD). Identifiers: Orphanet 98809, MedGen C4552000, MONDO:0100352, OMIM 128200, MONDO:0007494.

Allele frequency attached by ClinVar (database versions not stated): gnomAD 0.00005 and 0.00021; TOPMed 0.00007; ExAC 0.00056; 1000 Genomes Project 30x 0.00078; 1000 Genomes Project 0.00100.

Submissions (6):

CeGaT Center for Human Genetics Tuebingen
Classification: Likely benign. Last evaluated: 2026-08-01. Review status: criteria provided, single submitter. Criteria: CeGaT Center For Human Genetics Tuebingen Variant Classification Criteria Version 2. Collection method: clinical testing. Allele origin: germline. Affected: yes. Observed: 3 variant alleles.
Comment: PRRT2: BS1

Labcorp Genetics (formerly Invitae), Labcorp
Classification: Likely benign for Episodic kinesigenic dyskinesia. Last evaluated: 2026-02-03. Review status: criteria provided, single submitter. Criteria: Invitae Variant Classification Sherloc (09022015). Collection method: clinical testing. Allele origin: germline.

Blueprint Genetics
Classification: Likely benign. Last evaluated: 2024-11-22. Review status: criteria provided, single submitter. Criteria: ACMG Guidelines, 2015. Collection method: clinical testing. Allele origin: germline.

GeneDx
Classification: Benign. Last evaluated: 2021-01-06. Review status: criteria provided, single submitter. Criteria: GeneDx Variant Classification Process June 2021. Collection method: clinical testing. Allele origin: germline. Affected: yes.
Comment: This variant is associated with the following publications: (PMID: 24594579)

Ambry Genetics
Classification: Likely benign for Inborn genetic diseases. Last evaluated: 2018-09-07. Review status: criteria provided, single submitter. Criteria: Ambry Variant Classification Scheme 2023. Collection method: clinical testing. Allele origin: germline.

Eurofins Ntd Llc (ga)
Classification: Benign. Last evaluated: 2015-11-19. Review status: criteria provided, single submitter. Criteria: EGL Classification Definitions 2015. Collection method: clinical testing. Allele origin: germline. Observed: 1 variant allele, 1 heterozygote.

NM_145239.3(PRRT2):c.773G>A (p.Gly258Glu)

Genes: MVP-DT (MVP divergent transcript; minus strand), PRRT2 (proline rich transmembrane protein 2; plus strand). Cytogenetic location: 16p11.2.
Variant type: single nucleotide variant.
Coding change: c.773G>A on transcript NM_145239.3 (MANE Select); coding-DNA position 773, G replaced by A.
Protein change: p.Gly258Glu; replaces glycine 258 with glutamic acid.
Molecular consequence: missense variant.
Genome position (GRCh38, 1-based): chr16:29,813,827, G>A. VCF-style: chr16-29813827-G-A. GRCh37 (hg19) VCF-style: chr16-29825148-G-A.
Other names: c.773G>A, p.Gly258Glu (NM_001256442.2, NM_001256443.2); short protein forms G258E.
Identifiers: ClinVar variation 284592 (VCV000284592.45), dbSNP rs560303559, ClinGen allele CA7994585.